The following is an entry in ClinVar:

ClinVar aggregate classification (germline): Uncertain significance. Review status: criteria provided, multiple submitters, no conflicts (2 of 4 stars). 2 submissions from 2 submitters: Uncertain significance (2). Last evaluated 2026-04-27.

Conditions:
Familial thoracic aortic aneurysm and aortic dissection (TAAD). Also called: Thoracic aortic aneurysms and dissections. Identifiers: Orphanet 91387, MedGen C4707243, MONDO:0019625.
Aortic aneurysm, familial thoracic 7 (AAT7). Also called: AORTIC DISSECTION, FAMILIAL, WITH OR WITHOUT AORTIC ANEURYSM. Identifiers: MedGen C3151077, MONDO:0013418, OMIM 613780.

Allele frequency attached by ClinVar (database versions not stated): TOPMed below 0.00001.

Submissions (2):

Ambry Genetics
Classification: Uncertain significance for Familial thoracic aortic aneurysm and aortic dissection. Last evaluated: 2026-04-27. Review status: criteria provided, single submitter. Criteria: Ambry Variant Classification Scheme 2023. Collection method: clinical testing. Allele origin: germline.

Labcorp Genetics (formerly Invitae), Labcorp
Classification: Uncertain significance for Aortic aneurysm, familial thoracic 7. Last evaluated: 2024-12-31. Review status: criteria provided, single submitter. Criteria: Invitae Variant Classification Sherloc (09022015). Collection method: clinical testing. Allele origin: germline.
Comment: This sequence change replaces lysine, which is basic and polar, with glutamine, which is neutral and polar, at codon 797 of the MYLK protein (p.Lys797Gln). This variant is not present in population databases (gnomAD no frequency). This variant has not been reported in the literature in individuals affected with MYLK-related conditions. ClinVar contains an entry for this variant (Variation ID: 2876444). An algorithm developed to predict the effect of missense changes on protein structure and function (PolyPhen-2) suggests that this variant is likely to be disruptive. In summary, the available evidence is currently insufficient to determine the role of this variant in disease. Therefore, it has been classified as a Variant of Uncertain Significance.

NM_053025.4(MYLK):c.2389A>C (p.Lys797Gln)

Gene: MYLK (myosin light chain kinase; minus strand). Cytogenetic location: 3q21.1.
Variant type: single nucleotide variant.
Coding change: c.2389A>C on transcript NM_053025.4 (MANE Select); coding-DNA position 2389, A replaced by C.
Protein change: p.Lys797Gln; replaces lysine 797 with glutamine.
Molecular consequence: missense variant.
Genome position (GRCh38, 1-based): chr3:123,707,755, T>G on the plus strand (A>C on the coding strand, the complement: MYLK is on the minus strand). VCF-style: chr3-123707755-T-G. GRCh37 (hg19) VCF-style: chr3-123426602-T-G.
Other names: c.1861A>C, p.Lys621Gln (NM_001321309.2); c.2182A>C, p.Lys728Gln (NM_053026.4, NM_053028.4); c.2389A>C, p.Lys797Gln (NM_053027.4); c.2389A>C (NM_053025.3); short protein forms K728Q, K621Q, K797Q.
Identifiers: ClinVar variation 2876444 (VCV002876444.4), dbSNP rs2061517992, ClinGen allele CA354233524.
Genomic context (GRCh38, chr3:123,707,755, plus strand): 5'-GGGGAGCTAGGAATTTGGAGGGAAGGGTTAAGGGAGGCTGGCTGGACATGCAGACTCACT[T>G]GAGCAGGATCTCATACTGGCCGGCATGCCAGGGCTGCACCTTCTTTAGAACCAGGGTGAA-3'
Protein context (NP_444253.3, residues 787-807): WHAGQYEILL[Lys797Gln]NRVGECSCQV